The following is an entry in ClinVar:

NM_022454.4(SOX17):c.982C>G (p.Pro328Ala)

Gene: SOX17 (SRY-box transcription factor 17; plus strand). Cytogenetic location: 8q11.23.
Variant type: single nucleotide variant.
Coding change: c.982C>G on transcript NM_022454.4 (MANE Select); coding-DNA position 982, C replaced by G.
Protein change: p.Pro328Ala; replaces proline 328 with alanine.
Molecular consequence: missense variant.
Genome position (GRCh38, 1-based): chr8:54,459,732, C>G. VCF-style: chr8-54459732-C-G. GRCh37 (hg19) VCF-style: chr8-55372292-C-G.
Other names: short protein forms P328A.
Identifiers: ClinVar variation 2355551 (VCV002355551.29), dbSNP rs774273287, ClinGen allele CA4751001.

ClinVar aggregate classification (germline): Uncertain significance. Review status: criteria provided, multiple submitters, no conflicts (2 of 4 stars). 4 submissions from 4 submitters: Uncertain significance (4). Last evaluated 2025-05-15.

Conditions:
Vesicoureteral reflux 3 (VUR3). Identifiers: Orphanet 289365, MedGen C3150927, MONDO:0013356, OMIM 613674.
Inborn genetic diseases. Identifiers: MedGen C0950123, MeSH D030342.

Allele frequency attached by ClinVar (database versions not stated): gnomAD 0.00002; TOPMed 0.00003; ExAC 0.00006.

Submissions (4):

Ambry Genetics
Classification: Uncertain significance for Inborn genetic diseases. Last evaluated: 2025-05-15. Review status: criteria provided, single submitter. Criteria: Ambry Variant Classification Scheme 2023. Collection method: clinical testing. Allele origin: germline.

Labcorp Genetics (formerly Invitae), Labcorp
Classification: Uncertain significance. Last evaluated: 2024-10-17. Review status: criteria provided, single submitter. Criteria: Invitae Variant Classification Sherloc (09022015). Collection method: clinical testing. Allele origin: germline.
Comment: This sequence change replaces proline, which is neutral and non-polar, with alanine, which is neutral and non-polar, at codon 328 of the SOX17 protein (p.Pro328Ala). This variant is present in population databases (rs774273287, gnomAD 0.007%). This variant has not been reported in the literature in individuals affected with SOX17-related conditions. ClinVar contains an entry for this variant (Variation ID: 2355551). Invitae Evidence Modeling of protein sequence and biophysical properties (such as structural, functional, and spatial information, amino acid conservation, physicochemical variation, residue mobility, and thermodynamic stability) indicates that this missense variant is not expected to disrupt SOX17 protein function with a negative predictive value of 80%. In summary, the available evidence is currently insufficient to determine the role of this variant in disease. Therefore, it has been classified as a Variant of Uncertain Significance.

Fulgent Genetics
Classification: Uncertain significance for Vesicoureteral reflux 3. Last evaluated: 2024-05-22. Review status: criteria provided, single submitter. Criteria: ACMG Guidelines, 2015. Collection method: clinical testing. Allele origin: germline.

CeGaT Center for Human Genetics Tuebingen
Classification: Uncertain significance. Last evaluated: 2022-12-01. Review status: criteria provided, single submitter. Criteria: CeGaT Center For Human Genetics Tuebingen Variant Classification Criteria Version 2. Collection method: clinical testing. Allele origin: germline. Affected: yes. Observed: 1 variant allele.